The following is an entry in ClinVar:

NM_000143.4(FH):c.1282G>C (p.Val428Leu)

Gene: FH (fumarate hydratase; minus strand). Cytogenetic location: 1q43.
Variant type: single nucleotide variant.
Coding change: c.1282G>C on transcript NM_000143.4 (MANE Select); coding-DNA position 1282, G replaced by C.
Protein change: p.Val428Leu; replaces valine 428 with leucine.
Molecular consequence: missense variant.
Genome position (GRCh38, 1-based): chr1:241,500,545, C>G on the plus strand (G>C on the coding strand, the complement: FH is on the minus strand). VCF-style: chr1-241500545-C-G. GRCh37 (hg19) VCF-style: chr1-241663845-C-G.
Other names: short protein forms V428L.
Identifiers: ClinVar variation 581275 (VCV000581275.13), dbSNP rs1558396381, ClinGen allele CA345436774.
Genomic context (GRCh38, chr1:241,500,545, plus strand): 5'-GCTTGTTGATCCTTTCTGTATTGGCCTGGATTCCCACCACGCAGTTTTCTGTAAAGGAAA[C>G]TGAAGCATCCCCCAGCAGCCTGGCTGAGTGTAACACATTTTTAATCTTTGAGTGAGTGAG-3'
Protein context (NP_000134.2, residues 418-438): HSARLLGDAS[Val428Leu]SFTENCVVGI

ClinVar aggregate classification (germline): Uncertain significance. Review status: criteria provided, multiple submitters, no conflicts (2 of 4 stars). 4 submissions from 4 submitters: Uncertain significance (3). 1 of the submissions does not count toward it. Last evaluated 2025-11-18.

Conditions:
Hereditary cancer-predisposing syndrome. Also called: Neoplastic Syndromes, Hereditary; Hereditary Cancer Syndrome; Tumor predisposition; Hereditary neoplastic syndrome. Identifiers: Orphanet 140162, MedGen C0027672, MeSH D009386, MONDO:0015356.
Fumarase deficiency (FMRD). Also called: Fumaric aciduria; Fumarate Hydratase Deficiency. Identifiers: Orphanet 24, MedGen C0342770, MONDO:0011730, OMIM 606812.

Allele frequency attached by ClinVar (database versions not stated): gnomAD exomes 0.00001.
gnomAD v4.1: 8 of 1,612,372 alleles (0.0005%); highest among the groups gnomAD compares: Admixed American, 0.0033%; no homozygotes.

Submissions (4):

Labcorp Genetics (formerly Invitae), Labcorp
Classification: Uncertain significance. Last evaluated: 2025-11-18. Review status: criteria provided, single submitter. Criteria: Invitae Variant Classification Sherloc (09022015). Collection method: clinical testing. Allele origin: germline.
Comment: This sequence change replaces valine, which is neutral and non-polar, with leucine, which is neutral and non-polar, at codon 428 of the FH protein (p.Val428Leu). This variant is not present in population databases (gnomAD no frequency). This variant has not been reported in the literature in individuals affected with FH-related conditions. ClinVar contains an entry for this variant (Variation ID: 581275). Invitae Evidence Modeling of protein sequence and biophysical properties (such as structural, functional, and spatial information, amino acid conservation, physicochemical variation, residue mobility, and thermodynamic stability) indicates that this missense variant is not expected to disrupt FH protein function with a negative predictive value of 95%. RNA analysis performed to evaluate the impact of this missense change on mRNA splicing indicates it does not significantly alter splicing (internal data). In summary, the available evidence is currently insufficient to determine the role of this variant in disease. Therefore, it has been classified as a Variant of Uncertain Significance.

Ambry Genetics
Classification: Uncertain significance for Hereditary cancer-predisposing syndrome. Last evaluated: 2024-02-20. Review status: criteria provided, single submitter. Criteria: Ambry Variant Classification Scheme 2023. Collection method: clinical testing. Allele origin: germline.
Comment: The p.V428L variant (also known as c.1282G>C), located in coding exon 9 of the FH gene, results from a G to C substitution at nucleotide position 1282. The valine at codon 428 is replaced by leucine, an amino acid with highly similar properties. This amino acid position is highly conserved in available vertebrate species. In addition, this alteration is predicted to be deleterious by in silico analysis. Based on the available evidence, the clinical significance of this alteration remains unclear.

GeneDx
Classification: Uncertain significance. Last evaluated: 2023-10-10. Review status: criteria provided, single submitter. Criteria: GeneDx Variant Classification Process June 2021. Collection method: clinical testing. Allele origin: germline. Affected: yes.
Comment: Not observed at significant frequency in large population cohorts (gnomAD); In silico analysis supports that this missense variant does not alter protein structure/function; Has not been previously published as pathogenic or benign to our knowledge; In silico analysis suggests this variant may impact gene splicing. In the absence of RNA/functional studies, the actual effect of this sequence change is unknown.

Natera, Inc.
Classification: Uncertain significance for Fumarase Deficiency. Last evaluated: 2021-04-01. Review status: no assertion criteria provided. Collection method: clinical testing. Allele origin: germline. Not counted in ClinVar's aggregate classification.